The following is an entry in ClinVar:

ClinVar aggregate classification (germline): Benign (1 of 4 stars; one submission).

gnomAD v4.1: 1,218 of 1,612,744 alleles (0.076%); highest among the groups gnomAD compares: African/African-American, 1.4%; 13 homozygotes.

Submission:

CeGaT Center for Human Genetics Tuebingen
Classification: Benign. Last evaluated: 2025-04-01. Review status: criteria provided, single submitter. Criteria: CeGaT Center For Human Genetics Tuebingen Variant Classification Criteria Version 2. Collection method: clinical testing. Allele origin: germline. Affected: yes. Observed: 1 variant allele.
Comment: IGF2R: BP4, BS1, BS2

NM_000876.4(IGF2R):c.5478+7C>T

Gene: IGF2R (insulin like growth factor 2 receptor; plus strand). Cytogenetic location: 6q25.3.
Variant type: single nucleotide variant.
Coding change: c.5478+7C>T on transcript NM_000876.4 (MANE Select); 7 bases into the intron after coding-DNA position 5478, C replaced by T.
Molecular consequence: intron variant.
Genome position (GRCh38, 1-based): chr6:160,078,369, C>T. VCF-style: chr6-160078369-C-T. GRCh37 (hg19) VCF-style: chr6-160499401-C-T.
Identifiers: ClinVar variation 3898149 (VCV003898149.7).